The following is an entry in ClinVar:

NC_000012.11:g.(?_114793337)_(114793931_?)dup

Gene: TBX5 (T-box transcription factor 5; minus strand). Cytogenetic location: 12q24.21.
Variant type: Duplication.
Identifiers: ClinVar variation 2422564 (VCV002422564.4).

ClinVar aggregate classification (germline): Uncertain significance (1 of 4 stars; one submission).

Conditions:
Aortic valve disease 2 (AOVD2). Identifiers: MedGen C3542024, MONDO:0013902, OMIM 614823.

Submission:

Labcorp Genetics (formerly Invitae), Labcorp
Classification: Uncertain significance for Aortic valve disease 2. Last evaluated: 2022-08-06. Review status: criteria provided, single submitter. Criteria: Invitae Variant Classification Sherloc (09022015). Collection method: clinical testing. Allele origin: germline.
Comment: In summary, the available evidence is currently insufficient to determine the role of this variant in disease. Therefore, it has been classified as a Variant of Uncertain Significance. This variant has not been reported in the literature in individuals affected with TBX5-related conditions. This variant results in a copy number gain of the genomic region encompassing exon(s) 9 of the TBX5 gene. This region includes the termination codon of the gene. This copy number gain extends beyond the assayed region for this gene and therefore may encompass additional genes. As the precise location of this event is unknown, it may be in tandem or it may be located elsewhere in the genome.